The following is an entry in ClinVar:

NM_000404.4(GLB1):c.457+235A>G

Gene: GLB1 (galactosidase beta 1; minus strand). Cytogenetic location: 3p22.3.
Variant type: single nucleotide variant.
Coding change: c.457+235A>G on transcript NM_000404.4 (MANE Select); 235 bases into the intron after coding-DNA position 457, A replaced by G.
Molecular consequence: intron variant.
Genome position (GRCh38, 1-based): chr3:33,067,995, T>C on the plus strand (A>G on the coding strand, the complement: GLB1 is on the minus strand). VCF-style: chr3-33067995-T-C. GRCh37 (hg19) VCF-style: chr3-33109487-T-C.
Other names: c.457+235A>G (NM_001393580.1); c.246-2438A>G (NM_001135602.3); c.601+235A>G (NM_001317040.2); c.367+235A>G (NM_001079811.3).
Identifiers: ClinVar variation 678493 (VCV000678493.1), dbSNP rs9865113, ClinGen allele CA72670278.
Genomic context (GRCh38, chr3:33,067,995, plus strand): 5'-TAGTGCATTGATACGATCTCGGTTCACTGCAACTTCCGCCTCCAGGGTTCAAGCAATCCT[T>C]CTGCCTCAGCCTCCTGAGTAGCTGGGATTACAGGCGCCCACCACCATGCCCAGCTAATTT-3'

ClinVar aggregate classification (germline): Benign (1 of 4 stars; one submission).

Allele frequency attached by ClinVar (database versions not stated): 1000 Genomes Project 30x 0.97252; 1000 Genomes Project 0.97284; TOPMed 0.98062; gnomAD 0.98130 and 0.98271.
gnomAD v4.1: 148,587 of 151,174 alleles (98%); highest among the groups gnomAD compares: Middle Eastern, 100%; 73,075 homozygotes.

Submission:

GeneDx
Classification: Benign. Last evaluated: 2018-06-19. Review status: criteria provided, single submitter. Criteria: GeneDx Variant Classification (06012015). Collection method: clinical testing. Allele origin: germline. Affected: yes.
Comment: This variant is considered likely benign or benign based on one or more of the following criteria: it is a conservative change, it occurs at a poorly conserved position in the protein, it is predicted to be benign by multiple in silico algorithms, and/or has population frequency not consistent with disease.